The following is an entry in ClinVar:

NM_024757.5(EHMT1):c.1541T>C (p.Leu514Pro)

Genes: EHMT1 (euchromatic histone lysine methyltransferase 1; plus strand), LOC130003148 (ATAC-STARR-seq lymphoblastoid active region 29369; plus strand). Cytogenetic location: 9q34.3.
Variant type: single nucleotide variant.
Coding change: c.1541T>C on transcript NM_024757.5 (MANE Select); coding-DNA position 1541, T replaced by C.
Protein change: p.Leu514Pro; replaces leucine 514 with proline.
Molecular consequence: missense variant.
Genome position (GRCh38, 1-based): chr9:137,762,714, T>C. VCF-style: chr9-137762714-T-C. GRCh37 (hg19) VCF-style: chr9-140657166-T-C.
Other names: c.1448T>C, p.Leu483Pro (NM_001354612.2, NM_001354259.2); c.1541T>C, p.Leu514Pro (NM_001145527.2, NM_001354611.2); c.1520T>C, p.Leu507Pro (NM_001354263.2); short protein forms L483P, L507P, L514P.
Identifiers: ClinVar variation 5037448 (VCV005037448.1).

ClinVar aggregate classification (germline): Uncertain significance (1 of 4 stars; one submission).

Submission:

GeneDx
Classification: Uncertain significance. Last evaluated: 2026-04-20. Review status: criteria provided, single submitter. Criteria: GeneDx Variant Classification Process June 2021. Collection method: clinical testing. Allele origin: germline.
Comment: Not observed at significant frequency in large population cohorts (gnomAD); In silico analysis supports that this missense variant has a deleterious effect on protein structure/function; Has not been previously published as pathogenic or benign to our knowledge